The following is an entry in ClinVar:

NM_130839.5(UBE3A):c.167C>A (p.Thr56Asn)

Genes: SNHG14 (small nucleolar RNA host gene 14; plus strand), UBE3A (ubiquitin protein ligase E3A; minus strand). Cytogenetic location: 15q11.2.
Variant type: single nucleotide variant.
Coding change: c.167C>A on transcript NM_130839.5 (MANE Select); coding-DNA position 167, C replaced by A.
Protein change: p.Thr56Asn; replaces threonine 56 with asparagine.
Molecular consequence: missense variant. On other transcripts: 5 prime UTR variant (1), non-coding transcript variant (1).
Genome position (GRCh38, 1-based): chr15:25,375,659, G>T on the plus strand (C>A on the coding strand, the complement: UBE3A is on the minus strand). VCF-style: chr15-25375659-G-T. GRCh37 (hg19) VCF-style: chr15-25620806-G-T.
Other names: c.107C>A, p.Thr36Asn (NM_001354523.2, NM_001354526.1, NM_001354539.2 and 18 more transcripts); c.167C>A, p.Thr56Asn (NM_001354538.2, NM_001354545.2, NM_001354550.2 and 1 more transcripts); c.-11C>A (NM_001354546.2); c.176C>A, p.Thr59Asn (NM_000462.5); short protein forms T36N, T56N, T59N.
Identifiers: ClinVar variation 956987 (VCV000956987.9), dbSNP rs1431543223, ClinGen allele CA391356485.

ClinVar aggregate classification (germline): Uncertain significance (1 of 4 stars; one submission).

Conditions:
Angelman syndrome (AS). Also called: HAPPY PUPPET SYNDROME. Identifiers: Orphanet 72, MedGen C0162635, MONDO:0007113, OMIM 105830. Disease mechanism: loss of function. Inheritance: AS is caused by disruption of maternally imprinted UBE3A located within the 15q11.2-q13 Angelman syndrome/Prader-Willi syndrome (AS/PWS) region., imprinting disorder.

Allele frequency attached by ClinVar (database versions not stated): gnomAD exomes below 0.00001.
gnomAD v4.1: 1 of 1,614,152 alleles (0.000062%); highest among the groups gnomAD compares: Admixed American, 0.0017%; no homozygotes.

Submission:

Labcorp Genetics (formerly Invitae), Labcorp
Classification: Uncertain significance for Angelman syndrome. Last evaluated: 2022-07-11. Review status: criteria provided, single submitter. Criteria: Invitae Variant Classification Sherloc (09022015). Collection method: clinical testing. Allele origin: germline.
Comment: In summary, the available evidence is currently insufficient to determine the role of this variant in disease. Therefore, it has been classified as a Variant of Uncertain Significance. Algorithms developed to predict the effect of missense changes on protein structure and function are either unavailable or do not agree on the potential impact of this missense change (SIFT: "Not Available"; PolyPhen-2: "Benign"; Align-GVGD: "Not Available"). ClinVar contains an entry for this variant (Variation ID: 956987). This variant has not been reported in the literature in individuals affected with UBE3A-related conditions. This variant is present in population databases (no rsID available, gnomAD 0.003%). This sequence change replaces threonine, which is neutral and polar, with asparagine, which is neutral and polar, at codon 36 of the UBE3A protein (p.Thr36Asn).